The following is an entry in ClinVar:

NM_015192.4(PLCB1):c.2213T>C (p.Val738Ala)

Gene: PLCB1 (phospholipase C beta 1; plus strand). Cytogenetic location: 20p12.3.
Variant type: single nucleotide variant.
Coding change: c.2213T>C on transcript NM_015192.4 (MANE Select); coding-DNA position 2213, T replaced by C.
Protein change: p.Val738Ala; replaces valine 738 with alanine.
Molecular consequence: missense variant.
Genome position (GRCh38, 1-based): chr20:8,739,265, T>C. VCF-style: chr20-8739265-T-C. GRCh37 (hg19) VCF-style: chr20-8719912-T-C.
Other names: c.2213T>C, p.Val738Ala (NM_182734.3); short protein forms V738A.
Identifiers: ClinVar variation 952323 (VCV000952323.10), dbSNP rs1980744187, ClinGen allele CA408207621.
Genomic context (GRCh38, chr20:8,739,265, plus strand): 5'-TATTTCTTGGAATTGTTCATTCTTATAACCAGGTGTGTCCTTAATGTCCTTTGTAGGTGG[T>C]TCTTCCTACTCTGGCCTGTTTGAGAATAGCAGTTTATGAAGAAGGAGGTAAATTCATTGG-3'
Protein context (NP_056007.1, residues 728-748): EEEPIVFKKV[Val738Ala]LPTLACLRIA

ClinVar aggregate classification (germline): Uncertain significance (1 of 4 stars; one submission).

Conditions:
Developmental and epileptic encephalopathy, 12 (DEE12). Identifiers: MedGen C3150988, MONDO:0013389, OMIM 613722.

Submission:

Labcorp Genetics (formerly Invitae), Labcorp
Classification: Uncertain significance for Developmental and epileptic encephalopathy, 12. Last evaluated: 2019-06-19. Review status: criteria provided, single submitter. Criteria: Invitae Variant Classification Sherloc (09022015). Collection method: clinical testing. Allele origin: germline.
Comment: This sequence change replaces valine with alanine at codon 738 of the PLCB1 protein (p.Val738Ala). The valine residue is moderately conserved and there is a small physicochemical difference between valine and alanine. This variant is not present in population databases (ExAC no frequency). This variant has not been reported in the literature in individuals with PLCB1-related conditions. Algorithms developed to predict the effect of missense changes on protein structure and function are either unavailable or do not agree on the potential impact of this missense change (SIFT: "Deleterious"; PolyPhen-2: "Possibly Damaging"; Align-GVGD: "Class C0"). In summary, the available evidence is currently insufficient to determine the role of this variant in disease. Therefore, it has been classified as a Variant of Uncertain Significance.